The following is an entry in ClinVar:

NM_000059.4(BRCA2):c.1430A>C (p.His477Pro)

Gene: BRCA2 (BRCA2 DNA repair associated; plus strand). Cytogenetic location: 13q13.1.
Variant type: single nucleotide variant.
Coding change: c.1430A>C on transcript NM_000059.4 (MANE Select); coding-DNA position 1430, A replaced by C.
Protein change: p.His477Pro; replaces histidine 477 with proline.
Molecular consequence: missense variant.
Genome position (GRCh38, 1-based): chr13:32,332,908, A>C. VCF-style: chr13-32332908-A-C. GRCh37 (hg19) VCF-style: chr13-32907045-A-C.
Other names: short protein forms H477P.
Identifiers: ClinVar variation 1331773 (VCV001331773.5), dbSNP rs2137471377, ClinGen allele CA387764263.

ClinVar aggregate classification (germline): Conflicting classifications of pathogenicity. Review status: criteria provided, conflicting classifications (1 of 4 stars). 3 submissions from 3 submitters: Uncertain significance (2); Likely benign (1). Last evaluated 2025-04-17.

Conditions:
Hereditary cancer-predisposing syndrome. Also called: Tumor predisposition; Hereditary Cancer Syndrome; Neoplastic Syndromes, Hereditary; Hereditary neoplastic syndrome. Identifiers: Orphanet 140162, MedGen C0027672, MeSH D009386, MONDO:0015356.
Hereditary breast ovarian cancer syndrome. Also called: Hereditary breast and ovarian cancer syndrome; Hereditary breast and ovarian cancer; Hereditary breast and ovarian cancer syndrome (HBOC); Hereditary breast and/or ovarian cancer syndrome; Breast and ovarian cancer; BRCA1- and BRCA2-Associated Hereditary Breast and Ovarian Cancer. Identifiers: Orphanet 145, MedGen C0677776, MeSH D061325, MONDO:0003582. Disease mechanism: loss of function.

Submissions (3):

Labcorp Genetics (formerly Invitae), Labcorp
Classification: Uncertain significance for Hereditary breast ovarian cancer syndrome. Last evaluated: 2025-04-17. Review status: criteria provided, single submitter. Criteria: Invitae Variant Classification Sherloc (09022015). Collection method: clinical testing. Allele origin: germline.
Comment: This sequence change replaces histidine, which is basic and polar, with proline, which is neutral and non-polar, at codon 477 of the BRCA2 protein (p.His477Pro). This variant is not present in population databases (gnomAD no frequency). This variant has not been reported in the literature in individuals affected with BRCA2-related conditions. ClinVar contains an entry for this variant (Variation ID: 1331773). Invitae Evidence Modeling of protein sequence and biophysical properties (such as structural, functional, and spatial information, amino acid conservation, physicochemical variation, residue mobility, and thermodynamic stability) indicates that this missense variant is not expected to disrupt BRCA2 protein function with a negative predictive value of 95%. In summary, the available evidence is currently insufficient to determine the role of this variant in disease. Therefore, it has been classified as a Variant of Uncertain Significance.

University of Washington Department of Laboratory Medicine, University of Washington
Classification: Likely benign for Hereditary cancer-predisposing syndrome. Last evaluated: 2023-03-23. Review status: criteria provided, single submitter. Criteria: Dines et al. (Genet Med. 2020). Collection method: curation. Allele origin: germline.
Comment: Missense variant in a coldspot region where missense variants are very unlikely to be pathogenic (PMID:31911673).

BRCA2 exon 10 coldspot. Reclassification based on statistical prior probability.

Color Diagnostics, LLC DBA Color Health
Classification: Uncertain significance for Hereditary cancer-predisposing syndrome. Last evaluated: 2021-03-03. Review status: criteria provided, single submitter. Criteria: ACMG Guidelines, 2015. Collection method: clinical testing. Allele origin: germline.
Comment: This missense variant replaces histidine with proline at codon 477 of the BRCA2 protein. Computational prediction suggests that this variant may not impact protein structure and function (internally defined REVEL score threshold <= 0.5, PMID: 27666373). To our knowledge, functional studies have not been reported for this variant. This variant has not been reported in individuals affected with hereditary cancer in the literature. This variant has not been identified in the general population by the Genome Aggregation Database (gnomAD). The available evidence is insufficient to determine the role of this variant in disease conclusively. Therefore, this variant is classified as a Variant of Uncertain Significance.